The following is an entry in ClinVar:

ClinVar aggregate classification (germline): Uncertain significance (1 of 4 stars; one submission).

Allele frequency attached by ClinVar (database versions not stated): gnomAD exomes below 0.00001; TOPMed below 0.00001.
gnomAD v4.1: 2 of 1,609,228 alleles (0.00012%); highest among the groups gnomAD compares: Admixed American, 0.0033%; no homozygotes.

Submission:

Labcorp Genetics (formerly Invitae), Labcorp
Classification: Uncertain significance. Last evaluated: 2022-05-31. Review status: criteria provided, single submitter. Criteria: Invitae Variant Classification Sherloc (09022015). Collection method: clinical testing. Allele origin: germline.
Comment: In summary, the available evidence is currently insufficient to determine the role of this variant in disease. Therefore, it has been classified as a Variant of Uncertain Significance. Algorithms developed to predict the effect of missense changes on protein structure and function are either unavailable or do not agree on the potential impact of this missense change (SIFT: "Deleterious"; PolyPhen-2: "Probably Damaging"; Align-GVGD: "Class C0"). This variant has not been reported in the literature in individuals affected with POP1-related conditions. This variant is present in population databases (no rsID available, gnomAD 0.003%). This sequence change replaces cysteine, which is neutral and slightly polar, with phenylalanine, which is neutral and non-polar, at codon 270 of the POP1 protein (p.Cys270Phe).

NM_001145860.2(POP1):c.809G>T (p.Cys270Phe)

Gene: POP1 (POP1 ribonuclease P/MRP subunit; plus strand). Cytogenetic location: 8q22.2.
Variant type: single nucleotide variant.
Coding change: c.809G>T on transcript NM_001145860.2 (MANE Select); coding-DNA position 809, G replaced by T.
Protein change: p.Cys270Phe; replaces cysteine 270 with phenylalanine.
Molecular consequence: missense variant.
Genome position (GRCh38, 1-based): chr8:98,134,022, G>T. VCF-style: chr8-98134022-G-T. GRCh37 (hg19) VCF-style: chr8-99146250-G-T.
Other names: c.809G>T, p.Cys270Phe (NM_001145861.2, NM_015029.3); short protein forms C270F.
Identifiers: ClinVar variation 1997813 (VCV001997813.4), dbSNP rs1170393896, ClinGen allele CA371791119.